The following is an entry in ClinVar:

NM_001291303.3(FAT4):c.12680G>A (p.Arg4227Gln)

Gene: FAT4 (FAT atypical cadherin 4; plus strand). Cytogenetic location: 4q28.1.
Variant type: single nucleotide variant.
Coding change: c.12680G>A on transcript NM_001291303.3 (MANE Select); coding-DNA position 12680, G replaced by A.
Protein change: p.Arg4227Gln; replaces arginine 4227 with glutamine.
Molecular consequence: missense variant.
Genome position (GRCh38, 1-based): chr4:125,481,596, G>A. VCF-style: chr4-125481596-G-A. GRCh37 (hg19) VCF-style: chr4-126402751-G-A.
Other names: c.12680G>A, p.Arg4227Gln (NM_001291285.3); c.12674G>A, p.Arg4225Gln (NM_024582.6); c.12674G>A (NM_024582.4); short protein forms R4227Q, R4225Q.
Identifiers: ClinVar variation 1510877 (VCV001510877.9), dbSNP rs759859751, ClinGen allele CA3074168.

ClinVar aggregate classification (germline): Uncertain significance. Review status: criteria provided, multiple submitters, no conflicts (2 of 4 stars). 3 submissions from 3 submitters: Uncertain significance (3). Last evaluated 2025-12-04.

Conditions:
Inborn genetic diseases. Identifiers: MedGen C0950123, MeSH D030342.

Allele frequency attached by ClinVar (database versions not stated): gnomAD 0.00001; ExAC 0.00002; gnomAD exomes 0.00002; TOPMed 0.00008.
gnomAD v4.1: 28 of 1,613,884 alleles (0.0017%); highest among the groups gnomAD compares: East Asian, 0.036%; no homozygotes.

Submissions (3):

Ambry Genetics
Classification: Uncertain significance for Inborn genetic diseases. Last evaluated: 2025-12-04. Review status: criteria provided, single submitter. Criteria: Ambry Variant Classification Scheme 2023. Collection method: clinical testing. Allele origin: germline.

Labcorp Genetics (formerly Invitae), Labcorp
Classification: Uncertain significance. Last evaluated: 2024-02-23. Review status: criteria provided, single submitter. Criteria: Invitae Variant Classification Sherloc (09022015). Collection method: clinical testing. Allele origin: germline.
Comment: This sequence change replaces arginine, which is basic and polar, with glutamine, which is neutral and polar, at codon 4225 of the FAT4 protein (p.Arg4225Gln). This variant is present in population databases (rs759859751, gnomAD 0.02%). This variant has not been reported in the literature in individuals affected with FAT4-related conditions. ClinVar contains an entry for this variant (Variation ID: 1510877). Advanced modeling of protein sequence and biophysical properties (such as structural, functional, and spatial information, amino acid conservation, physicochemical variation, residue mobility, and thermodynamic stability) performed at Invitae indicates that this missense variant is not expected to disrupt FAT4 protein function with a negative predictive value of 95%. In summary, the available evidence is currently insufficient to determine the role of this variant in disease. Therefore, it has been classified as a Variant of Uncertain Significance.

Blueprint Genetics
Classification: Uncertain significance. Last evaluated: 2021-02-04. Review status: criteria provided, single submitter. Criteria: ACMG Guidelines, 2015. Collection method: clinical testing. Allele origin: germline.